The following is an entry in ClinVar:

ClinVar aggregate classification (germline): Pathogenic/Likely pathogenic. Review status: criteria provided, multiple submitters, no conflicts (2 of 4 stars). 2 submissions from 2 submitters: Pathogenic (1); Likely pathogenic (1). Last evaluated 2025-05-08.

Conditions:
Myasthenic syndrome, congenital, 22 (CMS22). Also called: PREPL DEFICIENCY. Identifiers: MedGen C4479088, MONDO:0044299, OMIM 616224.

Submissions (2):

Variantyx, Inc.
Classification: Likely pathogenic for Myasthenic syndrome, congenital, 22. Last evaluated: 2025-05-08. Review status: criteria provided, single submitter. Criteria: Variantyx Assertion Criteria 2022. Collection method: clinical testing. Allele origin: germline. Inheritance: Autosomal recessive inheritance. Affected: no.
Comment: This is a frameshift variant in the PREPL gene (OMIM: 609557). Pathogenic variants in this gene have been associated with autosomal recessive congenital myasthenic syndrome 22. This variant introduces a premature termination codon in exon 4 out of 14 and is expected to result in loss of function, which is a known disease mechanism for PREPL in this disorder (PMID: 24610330, 28726805, 29913539) (PVS1). It has a 0.0094% maximum allele frequency in non-founder control populations (PM2)., and the variant has not been reported in individuals with PREPL-related disorders in the databases available for review. Based on the current evidence, this variant is classified as likely pathogenic for autosomal recessive congenital myasthenic syndrome 22.

Labcorp Genetics (formerly Invitae), Labcorp
Classification: Pathogenic for Myasthenic syndrome, congenital, 22. Last evaluated: 2025-03-01. Review status: criteria provided, single submitter. Criteria: Invitae Variant Classification Sherloc (09022015). Collection method: clinical testing. Allele origin: germline.
Comment: This sequence change creates a premature translational stop signal (p.Phe120Leufs*34) in the PREPL gene. It is expected to result in an absent or disrupted protein product. Loss-of-function variants in PREPL are known to be pathogenic (PMID: 24610330, 28726805, 29913539). This variant is present in population databases (rs762852430, gnomAD 0.04%). This variant has not been reported in the literature in individuals affected with PREPL-related conditions. For these reasons, this variant has been classified as Pathogenic.

Literature cited by the submitters: PubMed 24610330 (cited by Variantyx, Inc. and Labcorp Genetics (formerly Invitae), Labcorp); PubMed 28726805 (cited by Variantyx, Inc. and Labcorp Genetics (formerly Invitae), Labcorp); PubMed 29913539 (cited by Variantyx, Inc. and Labcorp Genetics (formerly Invitae), Labcorp).

NM_001171613.2(PREPL):c.93del (p.Phe31fs)

Gene: PREPL (prolyl endopeptidase like; minus strand). Cytogenetic location: 2p21.
Variant type: Deletion.
Coding change: c.93del on transcript NM_001171613.2 (MANE Select); coding-DNA position 93, one base deleted (T; older notation c.93delT).
Protein change: p.Phe31fs; shifts the reading frame from phenylalanine 31.
Molecular consequence: frameshift variant.
Genome position (GRCh38, 1-based): chr2:44,344,569, A deleted on the plus strand (T on the coding strand, the reverse complement: PREPL is on the minus strand); the first of 4 consecutive A bases (chr2:44,344,569-44,344,572); deleting any one gives the same sequence. VCF-style (leftmost placement, unchanged base first): chr2-44344568-CA-C. GRCh37 (hg19) VCF-style: chr2-44571707-CA-C.
Other names: c.360del, p.Phe120fs (NM_001374276.1, NM_006036.4, NM_001374275.1 and 4 more transcripts); c.93del, p.Phe31fs (NM_001374277.1, NM_001171617.1); short protein forms F31fs, F120fs.
Identifiers: ClinVar variation 4740061 (VCV004740061.2).
Genomic context (GRCh38, chr2:44,344,568, plus strand): 5'-ATTGTGGTGTACCTTCTTCATCTTTGGAACGAACCAAGCAACAACCTTCTTGGTAATAAA[CA>C]AAACCACCATGTTTAACCTGACAAAAGAAACATGCAGTTTACTTAATAATAATTTAATTA-3'